The following is an entry in ClinVar:

ClinVar aggregate classification (germline): Uncertain significance. Review status: criteria provided, multiple submitters, no conflicts (2 of 4 stars). 2 submissions from 2 submitters: Uncertain significance (2). Last evaluated 2024-08-19.

Conditions:
Fanconi anemia complementation group E (FANCE). Also called: FANCE-Related Fanconi Anemia. Identifiers: Orphanet 84, MedGen C3160739, MONDO:0010953, OMIM 600901.

Allele frequency attached by ClinVar (database versions not stated): ExAC 0.00003; gnomAD exomes 0.00005 and 0.00009; gnomAD 0.00009 and 0.00010; TOPMed 0.00011; ESP Exome Variant Server 0.00015.
gnomAD v4.1: 151 of 1,613,360 alleles (0.0094%); highest among the groups gnomAD compares: African/African-American, 0.016%; no homozygotes.

Submissions (2):

Labcorp Genetics (formerly Invitae), Labcorp
Classification: Uncertain significance for Fanconi anemia complementation group E. Last evaluated: 2024-08-19. Review status: criteria provided, single submitter. Criteria: Invitae Variant Classification Sherloc (09022015). Collection method: clinical testing. Allele origin: germline.
Comment: This sequence change replaces glutamic acid, which is acidic and polar, with lysine, which is basic and polar, at codon 187 of the FANCE protein (p.Glu187Lys). This variant is present in population databases (rs142746353, gnomAD 0.01%). This variant has not been reported in the literature in individuals affected with FANCE-related conditions. ClinVar contains an entry for this variant (Variation ID: 539299). Invitae Evidence Modeling of protein sequence and biophysical properties (such as structural, functional, and spatial information, amino acid conservation, physicochemical variation, residue mobility, and thermodynamic stability) indicates that this missense variant is not expected to disrupt FANCE protein function with a negative predictive value of 80%. In summary, the available evidence is currently insufficient to determine the role of this variant in disease. Therefore, it has been classified as a Variant of Uncertain Significance.

Fulgent Genetics
Classification: Uncertain significance for Fanconi anemia complementation group E. Last evaluated: 2021-07-30. Review status: criteria provided, single submitter. Criteria: ACMG Guidelines, 2015. Collection method: clinical testing. Allele origin: unknown.

NM_021922.3(FANCE):c.559G>A (p.Glu187Lys)

Gene: FANCE (FA complementation group E; plus strand). Cytogenetic location: 6p21.31.
Variant type: single nucleotide variant.
Coding change: c.559G>A on transcript NM_021922.3 (MANE Select); coding-DNA position 559, G replaced by A.
Protein change: p.Glu187Lys; replaces glutamic acid 187 with lysine.
Molecular consequence: missense variant.
Genome position (GRCh38, 1-based): chr6:35,456,057, G>A. VCF-style: chr6-35456057-G-A. GRCh37 (hg19) VCF-style: chr6-35423834-G-A.
Other names: short protein forms E187K.
Identifiers: ClinVar variation 539299 (VCV000539299.8), dbSNP rs142746353, ClinGen allele CA3771440.
Genomic context (GRCh38, chr6:35,456,057, plus strand): 5'-CTATGTAGGGGGCTGGGCCTGGGGGGCAGGAGGTTGAAATCCCCCCAGGCTCCAGACCCT[G>A]AAGAAGAGGAGAACAGGGACTCCCAGCAGCCTGGGAAACGCAGAAAGGACTCAGAGGAAG-3'
Protein context (NP_068741.1, residues 177-197): RLKSPQAPDP[Glu187Lys]EEENRDSQQP